The following is an entry in ClinVar:

NM_001128205.2(SULF1):c.1914G>T (p.Ala638=)

Gene: SULF1 (sulfatase 1; plus strand). Cytogenetic location: 8q13.3.
Variant type: single nucleotide variant.
Coding change: c.1914G>T on transcript NM_001128205.2 (MANE Select); coding-DNA position 1914, G replaced by T.
Protein change: p.Ala638=; no amino-acid change (alanine 638 retained).
Molecular consequence: synonymous variant. On other transcripts: non-coding transcript variant (3).
Genome position (GRCh38, 1-based): chr8:69,627,273, G>T. VCF-style: chr8-69627273-G-T. GRCh37 (hg19) VCF-style: chr8-70539508-G-T.
Other names: c.1914G>T (NM_001128205.1); c.1914G>T, p.Ala638= (NM_001128204.2, NM_001128206.2, NM_015170.3).
Identifiers: ClinVar variation 1634355 (VCV001634355.10), dbSNP rs140509610, ClinGen allele CA4776002.

ClinVar aggregate classification (germline): Benign. Review status: criteria provided, single submitter (1 of 4 stars). 2 submissions from 2 submitters: Benign (1). 1 of the submissions does not count toward it. Last evaluated 2025-08-20.

Conditions:
SULF1-related disorder. Also called: SULF1-related condition.

Allele frequency attached by ClinVar (database versions not stated): ESP Exome Variant Server 0.00192; 1000 Genomes Project 0.00260; 1000 Genomes Project 30x 0.00297.

Submissions (2):

Labcorp Genetics (formerly Invitae), Labcorp
Classification: Benign. Last evaluated: 2025-08-20. Review status: criteria provided, single submitter. Criteria: Invitae Variant Classification Sherloc (09022015). Collection method: clinical testing. Allele origin: germline.

PreventionGenetics, part of Exact Sciences
Classification: Likely benign for SULF1-related condition. Last evaluated: 2019-08-09. Review status: no assertion criteria provided. Collection method: clinical testing. Allele origin: germline. Not counted in ClinVar's aggregate classification.
Comment: This variant is classified as likely benign based on ACMG/AMP sequence variant interpretation guidelines (Richards et al. 2015 PMID: 25741868, with internal and published modifications).